The following is an entry in ClinVar:

ClinVar aggregate classification (germline): Pathogenic/Likely pathogenic. Review status: criteria provided, multiple submitters, no conflicts (2 of 4 stars). 6 submissions from 6 submitters: Pathogenic (4); Likely pathogenic (2). Last evaluated 2024-07-11.

Conditions:
Polycystic kidney disease 3 with or without polycystic liver disease. Also called: POLYCYSTIC KIDNEY DISEASE, ADULT, TYPE III; Polycystic kidney disease 3; Polycystic Kidney and/or Polycystic Liver Disease 3. Identifiers: MedGen C3887964, MONDO:0010916, OMIM 600666.

Allele frequency attached by ClinVar (database versions not stated): gnomAD exomes below 0.00001; ExAC 0.00001.

Submissions (6):

3billion
Classification: Pathogenic for Polycystic kidney disease 3 with or without polycystic liver disease. Last evaluated: 2024-07-11. Review status: criteria provided, single submitter. Criteria: ACMG Guidelines, 2015. Collection method: clinical testing. Allele origin: germline. Affected: yes.
Comment: The variant is not observed in the gnomAD v4.0.0 dataset. Predicted Consequence/Location: Stop-gained (nonsense): predicted to result in a loss or disruption of normal protein function through nonsense-mediated decay (NMD) or protein truncation. Multiple pathogenic variants are reported downstream of the variant. The variant has been reported at least twice as pathogenic with clinical assertions and evidence for the classification (ClinVar ID: VCV001327722). Therefore, this variant is classified as Pathogenic according to the recommendation of ACMG/AMP guideline.

Dasa
Classification: Pathogenic. Last evaluated: 2024-07-04. Review status: criteria provided, single submitter. Criteria: DASA Assertion Criteria. Collection method: clinical testing. Allele origin: germline.
Comment: NM_198334.3(GANAB):c.490C>T (p.Arg164*) introduces a premature termination codon predicted to result in loss of normal protein function. Loss-of-function is an established mechanism of disease for this gene. Based on the available data, this variant is classified as pathogenic.

GeneDx
Classification: Pathogenic. Last evaluated: 2022-12-09. Review status: criteria provided, single submitter. Criteria: GeneDx Variant Classification Process June 2021. Collection method: clinical testing. Allele origin: germline. Affected: yes.
Comment: Nonsense variant predicted to result in protein truncation or nonsense mediated decay in a gene for which loss-of-function is a known mechanism of disease; Not observed at a significant frequency in large population cohorts (gnomAD); Has not been previously published as pathogenic or benign to our knowledge

Labcorp Genetics (formerly Invitae), Labcorp
Classification: Pathogenic. Last evaluated: 2022-09-04. Review status: criteria provided, single submitter. Criteria: Invitae Variant Classification Sherloc (09022015). Collection method: clinical testing. Allele origin: germline.
Comment: For these reasons, this variant has been classified as Pathogenic. ClinVar contains an entry for this variant (Variation ID: 1327722). This variant has not been reported in the literature in individuals affected with GANAB-related conditions. This variant is present in population databases (rs754785664, gnomAD 0.0009%). This sequence change creates a premature translational stop signal (p.Arg164*) in the GANAB gene. It is expected to result in an absent or disrupted protein product. Loss-of-function variants in GANAB are known to be pathogenic (PMID: 27259053).

Fulgent Genetics
Classification: Likely pathogenic for Polycystic kidney disease 3 with or without polycystic liver disease. Last evaluated: 2021-09-13. Review status: criteria provided, single submitter. Criteria: ACMG Guidelines, 2015. Collection method: clinical testing. Allele origin: unknown.

Juno Genomics, Hangzhou Juno Genomics, Inc
Classification: Likely pathogenic for Polycystic kidney disease 3 with or without polycystic liver disease. Review status: criteria provided, single submitter. Criteria: ACMG Guidelines, 2015. Collection method: clinical testing. Allele origin: germline.
Comment: Null variant in a gene where loss of function (LOF) is a known mechanism of disease.;Absent from controls (or at extremely low frequency if recessive) in Genome Aggregation Database.

Literature cited by the submitters: PubMed 27259053 (cited by Labcorp Genetics (formerly Invitae), Labcorp).

NM_198334.3(GANAB):c.490C>T (p.Arg164Ter)

Gene: GANAB (glucosidase II alpha subunit; minus strand). Cytogenetic location: 11q12.3.
Variant type: single nucleotide variant.
Coding change: c.490C>T on transcript NM_198334.3 (MANE Select); coding-DNA position 490, C replaced by T.
Protein change: p.Arg164Ter; replaces arginine 164 with a stop codon.
Molecular consequence: nonsense. On other transcripts: 5 prime UTR variant (2).
Genome position (GRCh38, 1-based): chr11:62,634,891, G>A on the plus strand (C>T on the coding strand, the complement: GANAB is on the minus strand). VCF-style: chr11-62634891-G-A. GRCh37 (hg19) VCF-style: chr11-62402363-G-A.
Other names: c.148C>T, p.Arg50Ter (NM_001278192.2, NM_001278193.2); c.199C>T, p.Arg67Ter (NM_001278194.2, NM_001329222.2, NM_001329223.2); c.-287C>T (NM_001329224.2, NM_001329225.2); c.490C>T, p.Arg164Ter (NM_198335.4); short protein forms R164*, R50*, R67*.
Identifiers: ClinVar variation 1327722 (VCV001327722.12), dbSNP rs754785664, ClinGen allele CA6051088.